The following is an entry in ClinVar:

ClinVar aggregate classification (germline): Conflicting classifications of pathogenicity. Review status: criteria provided, conflicting classifications (1 of 4 stars). 3 submissions from 3 submitters: Uncertain significance (2); Likely benign (1). Last evaluated 2024-09-02.

Allele frequency attached by ClinVar (database versions not stated): ESP Exome Variant Server 0.00008; gnomAD exomes 0.00013; ExAC 0.00014; gnomAD 0.00020 and 0.00021; TOPMed 0.00025; 1000 Genomes Project 0.00040; 1000 Genomes Project 30x 0.00047.
gnomAD v4.1: 216 of 1,613,538 alleles (0.013%); highest among the groups gnomAD compares: Middle Eastern, 0.082%; no homozygotes.

Submissions (3):

Blueprint Genetics
Classification: Uncertain significance. Last evaluated: 2024-09-02. Review status: criteria provided, single submitter. Criteria: ACMG Guidelines, 2015. Collection method: clinical testing. Allele origin: germline.

CeGaT Center for Human Genetics Tuebingen
Classification: Likely benign. Last evaluated: 2023-02-01. Review status: criteria provided, single submitter. Criteria: CeGaT Center For Human Genetics Tuebingen Variant Classification Criteria Version 2. Collection method: clinical testing. Allele origin: germline. Affected: yes. Observed: 2 variant alleles.
Comment: AP3B2: BP4, BP7

Labcorp Genetics (formerly Invitae), Labcorp
Classification: Uncertain significance. Last evaluated: 2022-08-16. Review status: criteria provided, single submitter. Criteria: Invitae Variant Classification Sherloc (09022015). Collection method: clinical testing. Allele origin: germline.
Comment: This sequence change affects codon 196 of the AP3B2 mRNA. It is a 'silent' change, meaning that it does not change the encoded amino acid sequence of the AP3B2 protein. This variant also falls at the last nucleotide of exon 6, which is part of the consensus splice site for this exon. This variant is present in population databases (rs202130220, gnomAD 0.02%). This variant has not been reported in the literature in individuals affected with AP3B2-related conditions. ClinVar contains an entry for this variant (Variation ID: 1425226). Variants that disrupt the consensus splice site are a relatively common cause of aberrant splicing (PMID: 17576681, 9536098). Algorithms developed to predict the effect of sequence changes on RNA splicing suggest that this variant is not likely to affect RNA splicing. In summary, the available evidence is currently insufficient to determine the role of this variant in disease. Therefore, it has been classified as a Variant of Uncertain Significance.

Literature cited by the submitters: PubMed 17576681 (cited by Labcorp Genetics (formerly Invitae), Labcorp); PubMed 9536098 (cited by Labcorp Genetics (formerly Invitae), Labcorp).

NM_001278512.2(AP3B2):c.588G>C (p.Thr196=)

Genes: AP3B2 (adaptor related protein complex 3 subunit beta 2; minus strand), CPEB1-AS1 (CPEB1 antisense RNA 1; plus strand). Cytogenetic location: 15q25.2.
Variant type: single nucleotide variant.
Coding change: c.588G>C on transcript NM_001278512.2 (MANE Select); coding-DNA position 588, G replaced by C.
Protein change: p.Thr196=; no amino-acid change (threonine 196 retained).
Molecular consequence: synonymous variant.
Genome position (GRCh38, 1-based): chr15:82,681,112, C>G on the plus strand (G>C on the coding strand, the complement: AP3B2 is on the minus strand). VCF-style: chr15-82681112-C-G. GRCh37 (hg19) VCF-style: chr15-83349864-C-G.
Other names: c.492G>C, p.Thr164= (NM_001278511.2); c.588G>C, p.Thr196= (NM_004644.5).
Identifiers: ClinVar variation 1425226 (VCV001425226.27), dbSNP rs202130220, ClinGen allele CA7700452.